The following is an entry in ClinVar:

ClinVar aggregate classification (germline): Conflicting classifications of pathogenicity. Review status: criteria provided, conflicting classifications (1 of 4 stars). 4 submissions from 4 submitters: Uncertain significance (3); Benign (1). Last evaluated 2025-11-05.

Conditions:
Fanconi anemia complementation group O. Also called: RAD51C-Related Fanconi Anemia. Identifiers: Orphanet 84, MedGen C3150653, MONDO:0013248, OMIM 613390.
Breast-ovarian cancer, familial, susceptibility to, 3. Also called: RAD51C-Related Breast/Ovarian Cancer. Identifiers: Orphanet 145, MedGen C3150659, MONDO:0013253, OMIM 613399.
Hereditary cancer-predisposing syndrome. Also called: Hereditary neoplastic syndrome; Neoplastic Syndromes, Hereditary; Tumor predisposition; Hereditary Cancer Syndrome. Identifiers: Orphanet 140162, MedGen C0027672, MeSH D009386, MONDO:0015356.

Submissions (4):

Labcorp Genetics (formerly Invitae), Labcorp
Classification: Uncertain significance for Fanconi anemia complementation group O. Last evaluated: 2025-11-05. Review status: criteria provided, single submitter. Criteria: Invitae Variant Classification Sherloc (09022015). Collection method: clinical testing. Allele origin: germline.
Comment: This sequence change replaces alanine, which is neutral and non-polar, with glycine, which is neutral and non-polar, at codon 295 of the RAD51C protein (p.Ala295Gly). This variant is not present in population databases (gnomAD no frequency). This variant has not been reported in the literature in individuals affected with RAD51C-related conditions. ClinVar contains an entry for this variant (Variation ID: 480499). Invitae Evidence Modeling of protein sequence and biophysical properties (such as structural, functional, and spatial information, amino acid conservation, physicochemical variation, residue mobility, and thermodynamic stability) indicates that this missense variant is not expected to disrupt RAD51C protein function with a negative predictive value of 80%. In summary, the available evidence is currently insufficient to determine the role of this variant in disease. Therefore, it has been classified as a Variant of Uncertain Significance.

Ambry Genetics
Classification: Benign for Hereditary cancer-predisposing syndrome. Last evaluated: 2025-10-08. Review status: criteria provided, single submitter. Criteria: Ambry Variant Classification Scheme 2023. Collection method: clinical testing. Allele origin: germline.

Baylor Genetics
Classification: Uncertain significance for Breast-ovarian cancer, familial, susceptibility to, 3. Last evaluated: 2023-05-07. Review status: criteria provided, single submitter. Criteria: ACMG Guidelines, 2015. Collection method: clinical testing. Allele origin: unknown.

Color Diagnostics, LLC DBA Color Health
Classification: Uncertain significance for Hereditary cancer-predisposing syndrome. Last evaluated: 2019-01-16. Review status: criteria provided, single submitter. Criteria: ACMG Guidelines, 2015. Collection method: clinical testing. Allele origin: germline.

NM_058216.3(RAD51C):c.884C>G (p.Ala295Gly)

Gene: RAD51C (RAD51 paralog C; plus strand). Cytogenetic location: 17q22.
Variant type: single nucleotide variant.
Coding change: c.884C>G on transcript NM_058216.3 (MANE Select); coding-DNA position 884, C replaced by G.
Protein change: p.Ala295Gly; replaces alanine 295 with glycine.
Molecular consequence: missense variant. On other transcripts: non-coding transcript variant (1).
Genome position (GRCh38, 1-based): chr17:58,720,792, C>G. VCF-style: chr17-58720792-C-G. GRCh37 (hg19) VCF-style: chr17-56798153-C-G.
Other names: short protein forms A295G.
Identifiers: ClinVar variation 480499 (VCV000480499.22), dbSNP rs1555602136, ClinGen allele CA400359719.